The following is an entry in ClinVar:

ClinVar aggregate classification (germline): Uncertain significance (1 of 4 stars; one submission).

Conditions:
Familial thoracic aortic aneurysm and aortic dissection (TAAD). Also called: Thoracic aortic aneurysms and dissections. Identifiers: Orphanet 91387, MedGen C4707243, MONDO:0019625.
Hereditary cancer-predisposing syndrome. Also called: Neoplastic Syndromes, Hereditary; Tumor predisposition; Hereditary neoplastic syndrome; Hereditary Cancer Syndrome. Identifiers: Orphanet 140162, MedGen C0027672, MeSH D009386, MONDO:0015356.

Submission:

Ambry Genetics
Classification: Uncertain significance for Hereditary cancer-predisposing syndrome; Familial thoracic aortic aneurysm and aortic dissection. Last evaluated: 2026-07-06. Review status: criteria provided, single submitter. Criteria: Ambry Variant Classification Scheme 2023. Collection method: clinical testing. Allele origin: germline.
Comment: The p.S154T variant (also known as c.460T>A), located in coding exon 4 of the SMAD4 gene, results from a T to A substitution at nucleotide position 460. The serine at codon 154 is replaced by threonine, an amino acid with similar properties. This amino acid position is conserved. In addition, this alteration is predicted to be tolerated by in silico analysis. Based on the available evidence, the clinical significance of this variant remains unclear.

NM_005359.6(SMAD4):c.460T>A (p.Ser154Thr)

Gene: SMAD4 (SMAD family member 4; plus strand). Cytogenetic location: 18q21.2.
Variant type: single nucleotide variant.
Coding change: c.460T>A on transcript NM_005359.6 (MANE Select); coding-DNA position 460, T replaced by A.
Protein change: p.Ser154Thr; replaces serine 154 with threonine.
Molecular consequence: missense variant. On other transcripts: non-coding transcript variant (2).
Genome position (GRCh38, 1-based): chr18:51,054,786, T>A. VCF-style: chr18-51054786-T-A. GRCh37 (hg19) VCF-style: chr18-48581156-T-A.
Other names: c.460T>A, p.Ser154Thr (NM_001407043.1, NM_001407041.1, NM_001407042.1); short protein forms S154T.
Identifiers: ClinVar variation 5029735 (VCV005029735.1).